The following is an entry in ClinVar:

NM_000264.5(PTCH1):c.1514T>C (p.Phe505Ser)

Gene: PTCH1 (patched 1; minus strand). Cytogenetic location: 9q22.32.
Variant type: single nucleotide variant.
Coding change: c.1514T>C on transcript NM_000264.5 (MANE Select); coding-DNA position 1514, T replaced by C.
Protein change: p.Phe505Ser; replaces phenylalanine 505 with serine.
Molecular consequence: missense variant. On other transcripts: non-coding transcript variant (1).
Genome position (GRCh38, 1-based): chr9:95,476,847, A>G on the plus strand (T>C on the coding strand, the complement: PTCH1 is on the minus strand). VCF-style: chr9-95476847-A-G. GRCh37 (hg19) VCF-style: chr9-98239129-A-G.
Other names: c.1316T>C, p.Phe439Ser (NM_001083602.3); c.1511T>C, p.Phe504Ser (NM_001083603.3); c.1061T>C, p.Phe354Ser (NM_001083604.3, NM_001083605.3, NM_001083606.3 and 1 more transcripts); c.1358T>C, p.Phe453Ser (NM_001354918.2); short protein forms F354S, F504S, F505S, F439S, F453S.
Identifiers: ClinVar variation 3427292 (VCV003427292.2).

ClinVar aggregate classification (germline): Uncertain significance (1 of 4 stars; one submission).

Conditions:
Hereditary cancer-predisposing syndrome. Also called: Neoplastic Syndromes, Hereditary; Tumor predisposition; Hereditary Cancer Syndrome; Hereditary neoplastic syndrome. Identifiers: Orphanet 140162, MedGen C0027672, MeSH D009386, MONDO:0015356.

Submission:

Ambry Genetics
Classification: Uncertain significance for Hereditary cancer-predisposing syndrome. Last evaluated: 2026-05-05. Review status: criteria provided, single submitter. Criteria: Ambry Variant Classification Scheme 2023. Collection method: clinical testing. Allele origin: germline.
Comment: The p.F505S variant (also known as c.1514T>C), located in coding exon 11 of the PTCH1 gene, results from a T to C substitution at nucleotide position 1514. The phenylalanine at codon 505 is replaced by serine, an amino acid with highly dissimilar properties. This amino acid position is highly conserved in available vertebrate species. In addition, this alteration is predicted to be deleterious by in silico analysis. Based on the available evidence, the clinical significance of this variant remains unclear.